The following is an entry in ClinVar:

NM_024120.5(NDUFAF5):c.237C>T (p.Ile79=)

Gene: NDUFAF5 (NADH:ubiquinone oxidoreductase complex assembly factor 5; plus strand). Cytogenetic location: 20p12.1.
Variant type: single nucleotide variant.
Coding change: c.237C>T on transcript NM_024120.5 (MANE Select); coding-DNA position 237, C replaced by T.
Protein change: p.Ile79=; no amino-acid change (isoleucine 79 retained).
Molecular consequence: synonymous variant. On other transcripts: 5 prime UTR variant (3), non-coding transcript variant (7).
Genome position (GRCh38, 1-based): chr20:13,787,326, C>T. VCF-style: chr20-13787326-C-T. GRCh37 (hg19) VCF-style: chr20-13767972-C-T.
Other names: c.237C>T, p.Ile79= (NM_001039375.3, NM_001352408.2); c.-131C>T (NM_001352403.2); c.-345C>T (NM_001352406.2); c.-325C>T (NM_001352407.2).
Identifiers: ClinVar variation 618243 (VCV000618243.16), dbSNP rs777081419, ClinGen allele CA9767658.

ClinVar aggregate classification (germline): Likely benign. Review status: criteria provided, multiple submitters, no conflicts (2 of 4 stars). 2 submissions from 2 submitters: Likely benign (2). Last evaluated 2024-03-12.

Allele frequency attached by ClinVar (database versions not stated): ExAC 0.00001; gnomAD exomes 0.00001; TOPMed 0.00003; gnomAD 0.00004.
gnomAD v4.1: 13 of 1,613,904 alleles (0.00081%); highest among the groups gnomAD compares: African/African-American, 0.0027%; no homozygotes.

Submissions (2):

Labcorp Genetics (formerly Invitae), Labcorp
Classification: Likely benign. Last evaluated: 2024-03-12. Review status: criteria provided, single submitter. Criteria: Invitae Variant Classification Sherloc (09022015). Collection method: clinical testing. Allele origin: germline.

ARUP Laboratories, Molecular Genetics and Genomics, ARUP Laboratories
Classification: Likely benign. Last evaluated: 2018-05-03. Review status: criteria provided, single submitter. Criteria: ARUP Molecular Germline Variant Investigation Process. Collection method: clinical testing. Allele origin: germline.
Comment: The c.237C>T variant (rs777081419) has not been reported in the medical literature in association with disease. This variant does not alter amino acid sequence of NDUFAF5 protein, affects a weakly conserved nucleotide, and computational analyses (Alamut v.2.11) predict that this variant does not alter splicing. This variant is rare in the general population and is found with an overall allele frequency of 0.0004% (1/246,256 alleles) in the Genome Aggregation Database. Based on available information, this variant is considered to be likely benign.